The following is an entry in ClinVar:

NM_001353345.2(SETD1B):c.818C>A (p.Thr273Asn)

Gene: SETD1B (SET domain containing 1B, histone lysine methyltransferase; plus strand). Cytogenetic location: 12q24.31.
Variant type: single nucleotide variant.
Coding change: c.818C>A on transcript NM_001353345.2 (MANE Select); coding-DNA position 818, C replaced by A.
Protein change: p.Thr273Asn; replaces threonine 273 with asparagine.
Molecular consequence: missense variant.
Genome position (GRCh38, 1-based): chr12:121,809,763, C>A. VCF-style: chr12-121809763-C-A. GRCh37 (hg19) VCF-style: chr12-122247669-C-A.
Other names: short protein forms T273N.
Identifiers: ClinVar variation 4531385 (VCV004531385.1).

ClinVar aggregate classification (germline): Uncertain significance (1 of 4 stars; one submission).

Conditions:
Intellectual developmental disorder with seizures and language delay (IDDSELD). Identifiers: MedGen C5436574, MONDO:0033559, OMIM 619000.

Submission:

Victorian Clinical Genetics Services, Murdoch Childrens Research Institute
Classification: Uncertain significance for Intellectual developmental disorder with seizures and language delay. Last evaluated: 2025-01-06. Review status: criteria provided, single submitter. Criteria: ACMG Guidelines, 2015. Collection method: clinical testing. Allele origin: germline. Affected: yes.
Comment: This variant is classified as VUS-3B. Evidence in support of pathogenic classification: Variant is absent from gnomAD (v2, v3 and v4). Additional information: Variant is predicted to result in a missense amino acid change from threonine to asparagine; This variant is heterozygous; This gene is associated with autosomal dominant disease; Alternative amino acid change(s) at the same position are present in gnomAD (Highest allele count: v4: 1 heterozygote(s), 0 homozygote(s)); This variant has no previous evidence of pathogenicity; No published segregation evidence has been identified for this variant; No published functional evidence has been identified for this variant; No comparable missense variants have previous evidence for pathogenicity; Variant is not located in an established domain, motif, hotspot or informative constraint region; Missense variant with inconclusive in silico prediction and/or uninformative conservation; Loss of function is a known mechanism of disease in this gene and is associated with intellectual developmental disorder with seizures and language delay (MIM#619000); Inheritance information for this variant is not currently available in this individual.